The following is an entry in ClinVar:

NM_001330691.3(CEP78):c.2099C>A (p.Thr700Asn)

Gene: CEP78 (centrosomal protein 78; plus strand). Cytogenetic location: 9q21.2.
Variant type: single nucleotide variant.
Coding change: c.2099C>A on transcript NM_001330691.3 (MANE Select); coding-DNA position 2099, C replaced by A.
Protein change: p.Thr700Asn; replaces threonine 700 with asparagine.
Molecular consequence: missense variant.
Genome position (GRCh38, 1-based): chr9:78,266,695, C>A. VCF-style: chr9-78266695-C-A. GRCh37 (hg19) VCF-style: chr9-80881611-C-A.
Other names: c.2102C>A, p.Thr701Asn (NM_001098802.3, NM_001349839.2); c.2051C>A, p.Thr684Asn (NM_001330693.3, NM_001330694.2); c.2099C>A, p.Thr700Asn (NM_001349838.2); c.2054C>A, p.Thr685Asn (NM_001349840.2, NM_032171.3); short protein forms T684N, T701N, T685N, T700N.
Identifiers: ClinVar variation 1389529 (VCV001389529.8), dbSNP rs2118497955, ClinGen allele CA373868070.
Genomic context (GRCh38, chr9:78,266,695, plus strand): 5'-GAAGTCAAAGAAAAGAAGAGGAGTTGTCCAGAAATAGCAGATCTTCTTCAGAGAAAAAGA[C>A]CAAAACAGGTGAATATACCAAAAAACACTCTGATAAGCAACACCCTGGAAAGGACCTGCA-3'
Protein context (NP_001317620.1, residues 690-705): RNSRSSSEKK[Thr700Asn]KTESH

ClinVar aggregate classification (germline): Uncertain significance (1 of 4 stars; one submission).

Submission:

Labcorp Genetics (formerly Invitae), Labcorp
Classification: Uncertain significance. Last evaluated: 2023-08-17. Review status: criteria provided, single submitter. Criteria: Invitae Variant Classification Sherloc (09022015). Collection method: clinical testing. Allele origin: germline.
Comment: This sequence change replaces threonine, which is neutral and polar, with asparagine, which is neutral and polar, at codon 701 of the CEP78 protein (p.Thr701Asn). This variant is not present in population databases (gnomAD no frequency). This variant has not been reported in the literature in individuals affected with CEP78-related conditions. ClinVar contains an entry for this variant (Variation ID: 1389529). Algorithms developed to predict the effect of missense changes on protein structure and function output the following: SIFT: "Not Available"; PolyPhen-2: "Benign"; Align-GVGD: "Not Available". The asparagine amino acid residue is found in multiple mammalian species, which suggests that this missense change does not adversely affect protein function. In summary, the available evidence is currently insufficient to determine the role of this variant in disease. Therefore, it has been classified as a Variant of Uncertain Significance.